The following is an entry in ClinVar:

ClinVar aggregate classification (germline): Likely benign (1 of 4 stars; one submission).

Allele frequency attached by ClinVar (database versions not stated): ExAC 0.00001; gnomAD exomes 0.00003; gnomAD 0.00004; TOPMed 0.00004.

Submission:

Women's Health and Genetics/Laboratory Corporation of America, LabCorp
Classification: Likely benign. Last evaluated: 2023-10-31. Review status: criteria provided, single submitter. Criteria: LabCorp Variant Classification Summary - May 2015. Collection method: clinical testing. Allele origin: germline.
Comment: Variant summary: F8 c.5220-16delT alters a conserved nucleotide located at a position not widely known to affect splicing. Consensus agreement among computation tools predict no significant impact on normal splicing. However, these predictions have yet to be confirmed by functional studies. The variant allele was found at a frequency of 1.1e-05 in 181889 control chromosomes. The available data on variant occurrences in the general population are insufficient to allow any conclusion about variant significance. To our knowledge, no occurrence of c.5220-16delT in individuals affected with Factor VIII Deficiency (Hemophilia A) and no experimental evidence demonstrating its impact on protein function have been reported. No submitters have cited clinical-significance assessments for this variant to ClinVar after 2014. Based on the evidence outlined above, the variant was classified as likely benign.

NM_000132.4(F8):c.5220-16del

Gene: F8 (coagulation factor VIII; minus strand). Cytogenetic location: Xq28.
Variant type: Deletion.
Coding change: c.5220-16del on transcript NM_000132.4 (MANE Select); 16 bases into the intron before coding-DNA position 5220, one base deleted (T; older notation c.5220-16delT).
Molecular consequence: intron variant.
Genome position (GRCh38, 1-based): chrX:154,906,589, A deleted on the plus strand (T on the coding strand, the reverse complement: F8 is on the minus strand). VCF-style (leftmost placement, unchanged base first): chrX-154906588-CA-C. GRCh37 (hg19) VCF-style: chrX-154134863-CA-C.
Other names: c.5220-16delT (NM_000132.4).
Identifiers: ClinVar variation 2637575 (VCV002637575.1), dbSNP rs781814951, ClinGen allele CA10568019.
Genomic context (GRCh38, chrX:154,906,588, plus strand): 5'-CTGGAAAACAACTTTCTTGAACTGAGGGACACTGCCACTCTGAGCCCTGGAGAAAAAAAG[CA>C]GAGGAAAAGCAATAATTTTATGTACCAAGTGGGTAGAAATGCCTCACATCCTCATTTTCC-3'